The following is an entry in ClinVar:

NM_032043.3(BRIP1):c.2157G>T (p.Leu719Phe)

Gene: BRIP1 (BRCA1 interacting DNA helicase 1; minus strand). Cytogenetic location: 17q23.2.
Variant type: single nucleotide variant.
Coding change: c.2157G>T on transcript NM_032043.3 (MANE Select); coding-DNA position 2157, G replaced by T.
Protein change: p.Leu719Phe; replaces leucine 719 with phenylalanine.
Molecular consequence: missense variant.
Genome position (GRCh38, 1-based): chr17:61,744,532, C>A on the plus strand (G>T on the coding strand, the complement: BRIP1 is on the minus strand). VCF-style: chr17-61744532-C-A. GRCh37 (hg19) VCF-style: chr17-59821893-C-A.
Other names: short protein forms L719F.
Identifiers: ClinVar variation 1374877 (VCV001374877.7), dbSNP rs2144699040, ClinGen allele CA400483159.

ClinVar aggregate classification (germline): Uncertain significance (1 of 4 stars; one submission).

Conditions:
Fanconi anemia complementation group J. Also called: BRIP1-Related Fanconi Anemia. Identifiers: Orphanet 84, MedGen C1836860, MONDO:0012187, OMIM 609054.
Familial cancer of breast. Also called: Hereditary breast cancer; BREAST CANCER, FAMILIAL; hereditary breast carcinoma. Identifiers: Orphanet 227535, MedGen C0346153, MONDO:0016419, OMIM 114480. Disease mechanism: loss of function.

Submission:

Labcorp Genetics (formerly Invitae), Labcorp
Classification: Uncertain significance for Familial cancer of breast; Fanconi anemia complementation group J. Last evaluated: 2021-08-14. Review status: criteria provided, single submitter. Criteria: Invitae Variant Classification Sherloc (09022015). Collection method: clinical testing. Allele origin: germline.
Comment: In summary, the available evidence is currently insufficient to determine the role of this variant in disease. Therefore, it has been classified as a Variant of Uncertain Significance. Algorithms developed to predict the effect of missense changes on protein structure and function are either unavailable or do not agree on the potential impact of this missense change (SIFT: "Tolerated"; PolyPhen-2: "Probably Damaging"; Align-GVGD: "Class C0"). This variant has not been reported in the literature in individuals affected with BRIP1-related conditions. This variant is not present in population databases (ExAC no frequency). This sequence change replaces leucine with phenylalanine at codon 719 of the BRIP1 protein (p.Leu719Phe). The leucine residue is weakly conserved and there is a small physicochemical difference between leucine and phenylalanine.